The following is an entry in ClinVar:

NM_000975.5(RPL11):c.*3T>A

Gene: RPL11 (ribosomal protein L11; plus strand). Cytogenetic location: 1p36.11.
Variant type: single nucleotide variant.
Coding change: c.*3T>A on transcript NM_000975.5 (MANE Select); 3 bases downstream of the stop codon, T replaced by A.
Molecular consequence: 3 prime UTR variant.
Genome position (GRCh38, 1-based): chr1:23,696,376, T>A. VCF-style: chr1-23696376-T-A. GRCh37 (hg19) VCF-style: chr1-24022866-T-A.
Other names: c.*3T>A (NM_001199802.1).
Identifiers: ClinVar variation 3029586 (VCV003029586.2), dbSNP rs2523404295, ClinGen allele CA2740090626.

ClinVar aggregate classification (germline): Likely benign (0 of 4 stars; one submission).

Conditions:
RPL11-related disorder. Also called: RPL11-related condition.

Submission:

PreventionGenetics, part of Exact Sciences
Classification: Likely benign for RPL11-related condition. Last evaluated: 2023-10-30. Review status: no assertion criteria provided. Collection method: clinical testing. Allele origin: germline.
Comment: This variant is classified as likely benign based on ACMG/AMP sequence variant interpretation guidelines (Richards et al. 2015 PMID: 25741868, with internal and published modifications).